The following is an entry in ClinVar:

ClinVar aggregate classification (germline): Uncertain significance (1 of 4 stars; one submission).

Submission:

GeneDx
Classification: Uncertain significance. Last evaluated: 2025-10-24. Review status: criteria provided, single submitter. Criteria: GeneDx Variant Classification Process June 2021. Collection method: clinical testing. Allele origin: germline.
Comment: Not observed at significant frequency in large population cohorts (gnomAD); In silico analysis supports that this missense variant has a deleterious effect on protein structure/function; Has not been previously published as pathogenic or benign to our knowledge

NM_002025.4(AFF2):c.3280G>T (p.Gly1094Cys)

Gene: AFF2 (ALF transcription elongation factor 2; plus strand). Cytogenetic location: Xq28.
Variant type: single nucleotide variant.
Coding change: c.3280G>T on transcript NM_002025.4 (MANE Select); coding-DNA position 3280, G replaced by T.
Protein change: p.Gly1094Cys; replaces glycine 1094 with cysteine.
Molecular consequence: missense variant.
Genome position (GRCh38, 1-based): chrX:148,973,483, G>T. VCF-style: chrX-148973483-G-T. GRCh37 (hg19) VCF-style: chrX-148055013-G-T.
Other names: c.3175G>T, p.Gly1059Cys (NM_001169122.2, NM_001169124.2); c.3250G>T, p.Gly1084Cys (NM_001169123.2); c.3163G>T, p.Gly1055Cys (NM_001169125.2); c.2203G>T, p.Gly735Cys (NM_001170628.1); short protein forms G1055C, G1059C, G1084C, G1094C, G735C.
Identifiers: ClinVar variation 3898903 (VCV003898903.2).